The following is an entry in ClinVar:

ClinVar aggregate classification (germline): Uncertain significance. Review status: criteria provided, multiple submitters, no conflicts (2 of 4 stars). 2 submissions from 2 submitters: Uncertain significance (2). Last evaluated 2025-11-20.

Conditions:
Inborn genetic diseases. Identifiers: MedGen C0950123, MeSH D030342.

Allele frequency attached by ClinVar (database versions not stated): gnomAD 0.00005 and 0.00006; ExAC 0.00006; gnomAD exomes 0.00009 and 0.00007; TOPMed 0.00008.
gnomAD v4.1: 138 of 1,609,110 alleles (0.0086%); highest among the groups gnomAD compares: Non-Finnish European, 0.011%; no homozygotes.

Submissions (2):

Ambry Genetics
Classification: Uncertain significance for Inborn genetic diseases. Last evaluated: 2025-11-20. Review status: criteria provided, single submitter. Criteria: Ambry Variant Classification Scheme 2023. Collection method: clinical testing. Allele origin: germline.

Labcorp Genetics (formerly Invitae), Labcorp
Classification: Uncertain significance. Last evaluated: 2022-02-28. Review status: criteria provided, single submitter. Criteria: Invitae Variant Classification Sherloc (09022015). Collection method: clinical testing. Allele origin: germline.
Comment: This sequence change replaces arginine, which is basic and polar, with cysteine, which is neutral and slightly polar, at codon 510 of the CEP135 protein (p.Arg510Cys). This variant is present in population databases (rs778189963, gnomAD 0.01%). This variant has not been reported in the literature in individuals affected with CEP135-related conditions. Algorithms developed to predict the effect of missense changes on protein structure and function output the following: SIFT: "Deleterious"; PolyPhen-2: "Benign"; Align-GVGD: "Class C15". The cysteine amino acid residue is found in multiple mammalian species, which suggests that this missense change does not adversely affect protein function. In summary, the available evidence is currently insufficient to determine the role of this variant in disease. Therefore, it has been classified as a Variant of Uncertain Significance.

NM_025009.5(CEP135):c.1528C>T (p.Arg510Cys)

Gene: CEP135 (centrosomal protein 135; plus strand). Cytogenetic location: 4q12.
Variant type: single nucleotide variant.
Coding change: c.1528C>T on transcript NM_025009.5 (MANE Select); coding-DNA position 1528, C replaced by T.
Protein change: p.Arg510Cys; replaces arginine 510 with cysteine.
Molecular consequence: missense variant.
Genome position (GRCh38, 1-based): chr4:55,980,197, C>T. VCF-style: chr4-55980197-C-T. GRCh37 (hg19) VCF-style: chr4-56846363-C-T.
Other names: c.1528C>T (NM_025009.3); short protein forms R510C.
Identifiers: ClinVar variation 1394989 (VCV001394989.7), dbSNP rs778189963, ClinGen allele CA2927893.